The following is an entry in ClinVar:

ClinVar aggregate classification (germline): Uncertain significance (1 of 4 stars; one submission).

Conditions:
RASopathy. Also called: Noonan spectrum disorder; rasopathies. Identifiers: Orphanet 536391, MedGen C5555857, MONDO:0021060.

Submission:

Labcorp Genetics (formerly Invitae), Labcorp
Classification: Uncertain significance for Rasopathy. Last evaluated: 2018-09-16. Review status: criteria provided, single submitter. Criteria: Invitae Variant Classification Sherloc (09022015). Collection method: clinical testing. Allele origin: germline.
Comment: This variant results in a copy number gain of the genomic region encompassing the full coding sequence of the PTPN11 gene. The boundaries of this event are unknown as they extend beyond the assayed region for this gene and therefore may encompass additional genes. As the precise location of this event is unknown, it may be in tandem or it may be located elsewhere in the genome. Isolated whole-gene copy number gains of PTPN11 have not been reported in the literature. However, larger copy number events that include this gene have been reported (PMID: 18348260, 19760651, 24739123). Experimental studies are not available for this variant, and the functional significance of a copy number gain of this gene is currently unknown. In summary, the available evidence is currently insufficient to determine the role of this variant in disease. Therefore, it has been classified as a Variant of Uncertain Significance.

Literature cited by the submitters: PubMed 18348260; PubMed 19760651; PubMed 24739123.

NC_000012.11:g.(?_112856896)_(112942588_?)dup

Gene: PTPN11 (protein tyrosine phosphatase non-receptor type 11; plus strand). Cytogenetic location: 12q24.13.
Variant type: Duplication.
Identifiers: ClinVar variation 649081 (VCV000649081.2).